The following is an entry in ClinVar:

NC_000005.9:g.(?_13769059)_(13794177_?)del

Gene: DNAH5 (dynein axonemal heavy chain 5; minus strand). Cytogenetic location: 5p15.2.
Variant type: Deletion.
Identifiers: ClinVar variation 1505390 (VCV001505390.11).

ClinVar aggregate classification (germline): Likely pathogenic (1 of 4 stars; one submission).

Conditions:
Primary ciliary dyskinesia. Also called: Ciliary dyskinesia. Identifiers: Orphanet 244, MedGen C0008780, MONDO:0016575, HP:0012265.

Submission:

Labcorp Genetics (formerly Invitae), Labcorp
Classification: Likely pathogenic for Primary ciliary dyskinesia. Last evaluated: 2021-10-09. Review status: criteria provided, single submitter. Criteria: Invitae Variant Classification Sherloc (09022015). Collection method: clinical testing. Allele origin: germline.
Comment: This variant is a gross deletion of the genomic region encompassing exon(s) 48-58 of the DNAH5 gene. This variant would be expected to be in-frame, preserving the integrity of the reading frame. This variant has not been reported in the literature in individuals affected with DNAH5-related conditions. This variant disrupts the p.Ala2881 amino acid residue in DNAH5. Other variant(s) that disrupt this residue have been determined to be pathogenic (Invitae). This suggests that this residue is clinically significant, and that variants that disrupt this residue are likely to be disease-causing. In summary, the currently available evidence indicates that the variant is pathogenic, but additional data are needed to prove that conclusively. Therefore, this variant has been classified as Likely Pathogenic.